The following is an entry in ClinVar:

ClinVar aggregate classification (germline): Pathogenic (1 of 4 stars; one submission).

Conditions:
Dilated cardiomyopathy 1M (CMD1M). Identifiers: Orphanet 154, MedGen C1843808, MONDO:0011840, OMIM 607482.
Hypertrophic cardiomyopathy 12. Identifiers: MedGen C2677491, MONDO:0012804, OMIM 612124.

Submission:

Labcorp Genetics (formerly Invitae), Labcorp
Classification: Pathogenic for Hypertrophic cardiomyopathy 12; Dilated cardiomyopathy 1M. Last evaluated: 2025-03-19. Review status: criteria provided, single submitter. Criteria: Invitae Variant Classification Sherloc (09022015). Collection method: clinical testing. Allele origin: germline.
Comment: This sequence change creates a premature translational stop signal (p.Ser54*) in the CSRP3 gene. It is expected to result in an absent or disrupted protein product. Loss-of-function variants in CSRP3 are known to be pathogenic (PMID: 12642359, 14567970, 16352453, 20087448, 34558151). This variant is not present in population databases (gnomAD no frequency). This variant has not been reported in the literature in individuals affected with CSRP3-related conditions. For these reasons, this variant has been classified as Pathogenic.

Literature cited by the submitters: PubMed 12642359; PubMed 14567970; PubMed 16352453; PubMed 20087448; PubMed 34558151.

NM_003476.5(CSRP3):c.161C>A (p.Ser54Ter)

Gene: CSRP3 (cysteine and glycine rich protein 3; minus strand). Cytogenetic location: 11p15.1.
Variant type: single nucleotide variant.
Coding change: c.161C>A on transcript NM_003476.5 (MANE Select); coding-DNA position 161, C replaced by A.
Protein change: p.Ser54Ter; replaces serine 54 with a stop codon.
Molecular consequence: nonsense. On other transcripts: intron variant (1).
Genome position (GRCh38, 1-based): chr11:19,188,256, G>T on the plus strand (C>A on the coding strand, the complement: CSRP3 is on the minus strand). VCF-style: chr11-19188256-G-T. GRCh37 (hg19) VCF-style: chr11-19209803-G-T.
Other names: c.113-1908C>A (NM_001369404.1); short protein forms S54*.
Identifiers: ClinVar variation 4784477 (VCV004784477.1).